The following is an entry in ClinVar:

NM_001271862.2(PNLDC1):c.172C>G (p.Arg58Gly)

Gene: PNLDC1 (PARN like ribonuclease domain containing exonuclease 1; plus strand). Cytogenetic location: 6q25.3.
Variant type: single nucleotide variant.
Coding change: c.172C>G on transcript NM_001271862.2 (MANE Select); coding-DNA position 172, C replaced by G.
Protein change: p.Arg58Gly; replaces arginine 58 with glycine.
Molecular consequence: missense variant.
Genome position (GRCh38, 1-based): chr6:159,801,150, C>G. VCF-style: chr6-159801150-C-G. GRCh37 (hg19) VCF-style: chr6-160222182-C-G.
Other names: c.139C>G, p.Arg47Gly (NM_173516.3); short protein forms R47G, R58G.
Identifiers: ClinVar variation 1343825 (VCV001343825.5), dbSNP rs1254456989, ClinGen allele CA366300337.

ClinVar aggregate classification (germline): Pathogenic. Review status: no assertion criteria provided (0 of 4 stars). 2 submissions from 2 submitters: Pathogenic (2). Last evaluated 2022-05-12.

Conditions:
Spermatogenic failure 57. Identifiers: MedGen C5561988, MONDO:0030439, OMIM 619528.

Submissions (2):

OMIM
Classification: Pathogenic for SPERMATOGENIC FAILURE 57. Last evaluated: 2022-05-12. Review status: no assertion criteria provided. Collection method: literature only. Allele origin: germline.

Institute of Reproductive and Stem Cell Engineering, Central South University
Classification: Pathogenic for Spermatogenic failure 57. Last evaluated: 2022-03-10. Review status: no assertion criteria provided. Collection method: research. Allele origin: inherited, not applicable. Inheritance: Autosomal recessive inheritance. Affected: yes. Observed: 1 homozygote. Functional consequence: effect on protein activity.
Comment: We identified one novel missense variant (NM_173516.3: exon3:c.139C>G:p.R47G) of PNLDC1 gene in a chinese Han family. The variant was rare or absent from human public datasets archived in the 1000 Genomes Project and gnomAD. We also developed Pnldc1-knockin mice with a mutation equivalent to that observed in the patient, and the Pnldc1-knockin male mice was sterile, indicating that the PNLDC1 variant (c.139C>G) was indeed pathogenic for male fertility.

Literature cited by the submitters: PubMed 35476664 (cited by OMIM).